The following is an entry in ClinVar:

ClinVar aggregate classification (germline): Uncertain significance. Review status: criteria provided, multiple submitters, no conflicts (2 of 4 stars). 3 submissions from 3 submitters: Uncertain significance (3). Last evaluated 2023-07-07.

Conditions:
Inborn genetic diseases. Identifiers: MedGen C0950123, MeSH D030342.

Allele frequency attached by ClinVar (database versions not stated): gnomAD exomes 0.00002 and 0.00006; gnomAD 0.00004; ExAC 0.00005; TOPMed 0.00009.
gnomAD v4.1: 32 of 1,614,066 alleles (0.002%); highest among the groups gnomAD compares: Admixed American, 0.03%; no homozygotes.

Submissions (3):

Labcorp Genetics (formerly Invitae), Labcorp
Classification: Uncertain significance. Last evaluated: 2023-07-07. Review status: criteria provided, single submitter. Criteria: Invitae Variant Classification Sherloc (09022015). Collection method: clinical testing. Allele origin: germline.
Comment: This sequence change replaces arginine, which is basic and polar, with glutamine, which is neutral and polar, at codon 420 of the TTLL5 protein (p.Arg420Gln). This variant is present in population databases (rs770816273, gnomAD 0.04%). This variant has not been reported in the literature in individuals affected with TTLL5-related conditions. ClinVar contains an entry for this variant (Variation ID: 1013652). Advanced modeling of protein sequence and biophysical properties (such as structural, functional, and spatial information, amino acid conservation, physicochemical variation, residue mobility, and thermodynamic stability) performed at Invitae indicates that this missense variant is not expected to disrupt TTLL5 protein function. In summary, the available evidence is currently insufficient to determine the role of this variant in disease. Therefore, it has been classified as a Variant of Uncertain Significance.

Blueprint Genetics
Classification: Uncertain significance. Last evaluated: 2022-05-11. Review status: criteria provided, single submitter. Criteria: ACMG Guidelines, 2015. Collection method: clinical testing. Allele origin: germline.

Ambry Genetics
Classification: Uncertain significance for Inborn genetic diseases. Last evaluated: 2021-08-12. Review status: criteria provided, single submitter. Criteria: Ambry Variant Classification Scheme 2023. Collection method: clinical testing. Allele origin: germline.

NM_015072.5(TTLL5):c.1259G>A (p.Arg420Gln)

Gene: TTLL5 (tubulin tyrosine ligase like 5; plus strand). Cytogenetic location: 14q24.3.
Variant type: single nucleotide variant.
Coding change: c.1259G>A on transcript NM_015072.5 (MANE Select); coding-DNA position 1259, G replaced by A.
Protein change: p.Arg420Gln; replaces arginine 420 with glutamine.
Molecular consequence: missense variant.
Genome position (GRCh38, 1-based): chr14:75,735,267, G>A. VCF-style: chr14-75735267-G-A. GRCh37 (hg19) VCF-style: chr14-76201610-G-A.
Other names: c.1259G>A (NM_015072.4); short protein forms R420Q.
Identifiers: ClinVar variation 1013652 (VCV001013652.8), dbSNP rs770816273, ClinGen allele CA7279304.